The following is an entry in ClinVar:

NM_012293.3(PXDN):c.1805C>T (p.Ser602Leu)

Gene: PXDN (peroxidasin; minus strand). Cytogenetic location: 2p25.3.
Variant type: single nucleotide variant.
Coding change: c.1805C>T on transcript NM_012293.3 (MANE Select); coding-DNA position 1805, C replaced by T.
Protein change: p.Ser602Leu; replaces serine 602 with leucine.
Molecular consequence: missense variant.
Genome position (GRCh38, 1-based): chr2:1,660,913, G>A on the plus strand (C>T on the coding strand, the complement: PXDN is on the minus strand). VCF-style: chr2-1660913-G-A. GRCh37 (hg19) VCF-style: chr2-1664685-G-A.
Other names: short protein forms S602L.
Identifiers: ClinVar variation 707008 (VCV000707008.16), dbSNP rs73910815, ClinGen allele CA1513208.

ClinVar aggregate classification (germline): Benign/Likely benign. Review status: criteria provided, multiple submitters, no conflicts (2 of 4 stars). 4 submissions from 4 submitters: Benign (1); Likely benign (3). Last evaluated 2026-01-12.

Conditions:
Anterior segment dysgenesis 7 (ASGD7). Also called: SCLEROCORNEA WITH OTHER OCULAR ANOMALIES; Anterior segment dysgenesis 7, with sclerocornea. Identifiers: Orphanet 289499, MedGen C3151617, MONDO:0010015, OMIM 269400.

Allele frequency attached by ClinVar (database versions not stated): gnomAD exomes 0.00054 and 0.00137; ExAC 0.00151; 1000 Genomes Project 0.00539; 1000 Genomes Project 30x 0.00578; gnomAD 0.00589 and 0.00635; TOPMed 0.00637; ESP Exome Variant Server 0.00662.
gnomAD v4.1: 1,731 of 1,613,706 alleles (0.11%); highest among the groups gnomAD compares: African/African-American, 2%; 18 homozygotes.

Submissions (4):

Labcorp Genetics (formerly Invitae), Labcorp
Classification: Benign for Anterior segment dysgenesis 7. Last evaluated: 2026-01-12. Review status: criteria provided, single submitter. Criteria: Invitae Variant Classification Sherloc (09022015). Collection method: clinical testing. Allele origin: germline.

Blueprint Genetics
Classification: Likely benign. Last evaluated: 2024-11-14. Review status: criteria provided, single submitter. Criteria: ACMG Guidelines, 2015. Collection method: clinical testing. Allele origin: germline.

GeneDx
Classification: Likely benign. Last evaluated: 2023-08-25. Review status: criteria provided, single submitter. Criteria: GeneDx Variant Classification Process June 2021. Collection method: clinical testing. Allele origin: germline. Affected: yes.
Comment: See Variant Classification Assertion Criteria.

Breakthrough Genomics
Classification: Likely benign. Review status: criteria provided, single submitter. Criteria: ACMG Guidelines, 2015. Collection method: not provided. Allele origin: germline. Inheritance: Autosomal recessive inheritance. Affected: yes.